The following is an entry in ClinVar:

NM_001364905.1(LRBA):c.4241T>C (p.Val1414Ala)

Gene: LRBA (LPS responsive beige-like anchor protein; minus strand). Cytogenetic location: 4q31.3.
Variant type: single nucleotide variant.
Coding change: c.4241T>C on transcript NM_001364905.1 (MANE Select); coding-DNA position 4241, T replaced by C.
Protein change: p.Val1414Ala; replaces valine 1414 with alanine.
Molecular consequence: missense variant.
Genome position (GRCh38, 1-based): chr4:150,848,916, A>G on the plus strand (T>C on the coding strand, the complement: LRBA is on the minus strand). VCF-style: chr4-150848916-A-G. GRCh37 (hg19) VCF-style: chr4-151770068-A-G.
Other names: c.4241T>C, p.Val1414Ala (NM_001199282.3, NM_001367550.1, NM_006726.5); short protein forms V1414A.
Identifiers: ClinVar variation 2058681 (VCV002058681.4), dbSNP rs2546488319, ClinGen allele CA358453213.

ClinVar aggregate classification (germline): Uncertain significance (1 of 4 stars; one submission).

Conditions:
Combined immunodeficiency due to LRBA deficiency. Also called: Common variable immunodeficiency 8, with autoimmunity. Identifiers: Orphanet 445018, MedGen C3553512, MONDO:0013863, OMIM 614700.

Allele frequency attached by ClinVar (database versions not stated): gnomAD exomes below 0.00001.
gnomAD v4.1: 1 of 1,612,858 alleles (0.000062%); highest among the groups gnomAD compares: South Asian, 0.0011%; no homozygotes.

Submission:

Labcorp Genetics (formerly Invitae), Labcorp
Classification: Uncertain significance for Combined immunodeficiency due to LRBA deficiency. Last evaluated: 2022-04-07. Review status: criteria provided, single submitter. Criteria: Invitae Variant Classification Sherloc (09022015). Collection method: clinical testing. Allele origin: germline.
Comment: In summary, the available evidence is currently insufficient to determine the role of this variant in disease. Therefore, it has been classified as a Variant of Uncertain Significance. Algorithms developed to predict the effect of missense changes on protein structure and function are either unavailable or do not agree on the potential impact of this missense change (SIFT: "Tolerated"; PolyPhen-2: "Probably Damaging"; Align-GVGD: "Class C0"). This variant has not been reported in the literature in individuals affected with LRBA-related conditions. This variant is not present in population databases (gnomAD no frequency). This sequence change replaces valine, which is neutral and non-polar, with alanine, which is neutral and non-polar, at codon 1414 of the LRBA protein (p.Val1414Ala).